The following is an entry in ClinVar:

ClinVar aggregate classification (germline): Uncertain significance (1 of 4 stars; one submission).

Conditions:
Cardiovascular phenotype. Identifiers: MedGen CN230736.

Submission:

Ambry Genetics
Classification: Uncertain significance for Cardiovascular phenotype. Last evaluated: 2024-12-09. Review status: criteria provided, single submitter. Criteria: Ambry Variant Classification Scheme 2023. Collection method: clinical testing. Allele origin: germline.
Comment: The p.M1742R variant (also known as c.5225T>G), located in coding exon 26 of the APOB gene, results from a T to G substitution at nucleotide position 5225. The methionine at codon 1742 is replaced by arginine, an amino acid with similar properties. This amino acid position is conserved. In addition, this alteration is predicted to be tolerated by in silico analysis. Based on the available evidence, the clinical significance of this variant remains unclear.

NM_000384.3(APOB):c.5225T>G (p.Met1742Arg)

Gene: APOB (apolipoprotein B; minus strand). Cytogenetic location: 2p24.1.
Variant type: single nucleotide variant.
Coding change: c.5225T>G on transcript NM_000384.3 (MANE Select); coding-DNA position 5225, T replaced by G.
Protein change: p.Met1742Arg; replaces methionine 1742 with arginine.
Molecular consequence: missense variant.
Genome position (GRCh38, 1-based): chr2:21,011,643, A>C on the plus strand (T>G on the coding strand, the complement: APOB is on the minus strand). VCF-style: chr2-21011643-A-C. GRCh37 (hg19) VCF-style: chr2-21234515-A-C.
Other names: short protein forms M1742R.
Identifiers: ClinVar variation 3416492 (VCV003416492.1).